The following is an entry in ClinVar:

NM_000044.6(AR):c.1886-3T>A

Gene: AR (androgen receptor; plus strand). Cytogenetic location: Xq12.
Variant type: single nucleotide variant.
Coding change: c.1886-3T>A on transcript NM_000044.6 (MANE Select); 3 bases into the intron before coding-DNA position 1886, T replaced by A.
Molecular consequence: intron variant.
Genome position (GRCh38, 1-based): chrX:67,711,399, T>A. VCF-style: chrX-67711399-T-A. GRCh37 (hg19) VCF-style: chrX-66931241-T-A.
Other names: c.290-3T>A (NM_001011645.3).
Identifiers: ClinVar variation 3234240 (VCV003234240.20), dbSNP rs1160962110, ClinGen allele CA642376677.

ClinVar aggregate classification (germline): Likely benign (1 of 4 stars; one submission).

Allele frequency attached by ClinVar (database versions not stated): TOPMed below 0.00001; gnomAD 0.00001; gnomAD exomes 0.00001.

Submission:

CeGaT Center for Human Genetics Tuebingen
Classification: Likely benign. Last evaluated: 2024-04-01. Review status: criteria provided, single submitter. Criteria: CeGaT Center For Human Genetics Tuebingen Variant Classification Criteria Version 2. Collection method: clinical testing. Allele origin: germline. Affected: yes. Observed: 1 variant allele.
Comment: AR: BP4, BS2